The following is an entry in ClinVar:

ClinVar aggregate classification (germline): Uncertain significance (1 of 4 stars; one submission).

Conditions:
Inborn genetic diseases. Identifiers: MedGen C0950123, MeSH D030342.

Submission:

Ambry Genetics
Classification: Uncertain significance for Inborn genetic diseases. Last evaluated: 2025-05-31. Review status: criteria provided, single submitter. Criteria: Ambry Variant Classification Scheme 2023. Collection method: clinical testing. Allele origin: germline.
Comment: The p.A747D variant (also known as c.2240C>A), located in coding exon 25 of the FANCA gene, results from a C to A substitution at nucleotide position 2240. The alanine at codon 747 is replaced by aspartic acid, an amino acid with dissimilar properties. This amino acid position is conserved. In addition, the in silico prediction for this alteration is inconclusive. Based on the available evidence, the clinical significance of this variant remains unclear.

NM_000135.4(FANCA):c.2240C>A (p.Ala747Asp)

Gene: FANCA (FA complementation group A; minus strand). Cytogenetic location: 16q24.3.
Variant type: single nucleotide variant.
Coding change: c.2240C>A on transcript NM_000135.4 (MANE Select); coding-DNA position 2240, C replaced by A.
Protein change: p.Ala747Asp; replaces alanine 747 with aspartic acid.
Molecular consequence: missense variant.
Genome position (GRCh38, 1-based): chr16:89,770,242, G>T on the plus strand (C>A on the coding strand, the complement: FANCA is on the minus strand). VCF-style: chr16-89770242-G-T. GRCh37 (hg19) VCF-style: chr16-89836650-G-T.
Other names: c.2240C>A, p.Ala747Asp (NM_001286167.3); short protein forms A747D.
Identifiers: ClinVar variation 4022332 (VCV004022332.1).